The following is an entry in ClinVar:

NM_001384900.1(SEMA3D):c.1503+10A>C

Gene: SEMA3D (semaphorin 3D; minus strand). Cytogenetic location: 7q21.11.
Variant type: single nucleotide variant.
Coding change: c.1503+10A>C on transcript NM_001384900.1 (MANE Select); 10 bases into the intron after coding-DNA position 1503, A replaced by C.
Molecular consequence: intron variant.
Genome position (GRCh38, 1-based): chr7:85,020,223, T>G on the plus strand (A>C on the coding strand, the complement: SEMA3D is on the minus strand). VCF-style: chr7-85020223-T-G. GRCh37 (hg19) VCF-style: chr7-84649539-T-G.
Other names: c.1503+10A>C (NM_001384901.1, NM_001384903.1, NM_001384902.1 and 1 more transcripts).
Identifiers: ClinVar variation 3353554 (VCV003353554.1).

ClinVar aggregate classification (germline): Likely benign (0 of 4 stars; one submission).

Conditions:
SEMA3D-related disorder. Also called: SEMA3D-related condition.

Submission:

PreventionGenetics, part of Exact Sciences
Classification: Likely benign for SEMA3D-related condition. Last evaluated: 2022-07-07. Review status: no assertion criteria provided. Collection method: clinical testing. Allele origin: germline.
Comment: This variant is classified as likely benign based on ACMG/AMP sequence variant interpretation guidelines (Richards et al. 2015 PMID: 25741868, with internal and published modifications).